The following is an entry in ClinVar:

NM_001042492.3(NF1):c.7419G>A (p.Met2473Ile)

Gene: NF1 (neurofibromin 1; plus strand). Cytogenetic location: 17q11.2.
Variant type: single nucleotide variant.
Coding change: c.7419G>A on transcript NM_001042492.3 (MANE Select); coding-DNA position 7419, G replaced by A.
Protein change: p.Met2473Ile; replaces methionine 2473 with isoleucine.
Molecular consequence: missense variant.
Genome position (GRCh38, 1-based): chr17:31,350,280, G>A. VCF-style: chr17-31350280-G-A. GRCh37 (hg19) VCF-style: chr17-29677298-G-A.
Other names: c.7356G>A, p.Met2452Ile (NM_000267.4); short protein forms M2473I, M2452I.
Identifiers: ClinVar variation 1758474 (VCV001758474.3), dbSNP rs2151574534, ClinGen allele CA399017148.
Genomic context (GRCh38, chr17:31,350,280, plus strand): 5'-CAGCCTAAAACATAGAAAGTCACTTCTTCTTACTGATATTTCAATGGAAAATGTTCCTAT[G>A]GATACATATCCCATTCATCATGGTGACCCTTCCTATAGGTAAGTGGATTTACTCTCCTAT-3'
Protein context (NP_001035957.1, residues 2463-2483): LTDISMENVP[Met2473Ile]DTYPIHHGDP

ClinVar aggregate classification (germline): Uncertain significance. Review status: criteria provided, multiple submitters, no conflicts (2 of 4 stars). 2 submissions from 2 submitters: Uncertain significance (2). Last evaluated 2024-12-16.

Conditions:
Hereditary cancer-predisposing syndrome. Also called: Neoplastic Syndromes, Hereditary; Tumor predisposition; Hereditary Cancer Syndrome; Hereditary neoplastic syndrome. Identifiers: Orphanet 140162, MedGen C0027672, MeSH D009386, MONDO:0015356.
Cardiovascular phenotype. Identifiers: MedGen CN230736.

Submissions (2):

GeneDx
Classification: Uncertain significance. Last evaluated: 2024-12-16. Review status: criteria provided, single submitter. Criteria: GeneDx Variant Classification Process June 2021. Collection method: clinical testing. Allele origin: germline. Affected: yes.
Comment: Not observed at significant frequency in large population cohorts (gnomAD); In silico analysis indicates that this missense variant does not alter protein structure/function; Has not been previously published as pathogenic or benign to our knowledge; This variant is associated with the following publications: (PMID: 25486365)

Ambry Genetics
Classification: Uncertain significance for Cardiovascular phenotype; Hereditary cancer-predisposing syndrome. Last evaluated: 2021-03-07. Review status: criteria provided, single submitter. Criteria: Ambry Variant Classification Scheme 2023. Collection method: clinical testing. Allele origin: germline.
Comment: The p.M2452I variant (also known as c.7356G>A), located in coding exon 49 of the NF1 gene, results from a G to A substitution at nucleotide position 7356. The methionine at codon 2452 is replaced by isoleucine, an amino acid with highly similar properties. This amino acid position is highly conserved in available vertebrate species. In addition, the in silico prediction for this alteration is inconclusive. Since supporting evidence is limited at this time, the clinical significance of this alteration remains unclear.